The following is an entry in ClinVar:

NM_018965.4(TREM2):c.288G>A (p.Thr96=)

Gene: TREM2 (triggering receptor expressed on myeloid cells 2; minus strand). Cytogenetic location: 6p21.1.
Variant type: single nucleotide variant.
Coding change: c.288G>A on transcript NM_018965.4 (MANE Select); coding-DNA position 288, G replaced by A.
Protein change: p.Thr96=; no amino-acid change (threonine 96 retained).
Molecular consequence: synonymous variant.
Genome position (GRCh38, 1-based): chr6:41,161,366, C>T on the plus strand (G>A on the coding strand, the complement: TREM2 is on the minus strand). VCF-style: chr6-41161366-C-T. GRCh37 (hg19) VCF-style: chr6-41129104-C-T.
Other names: c.288G>A, p.Thr96= (NM_001271821.2).
Identifiers: ClinVar variation 725805 (VCV000725805.9), dbSNP rs562417614, ClinGen allele CA3798932.

ClinVar aggregate classification (germline): Likely benign. Review status: criteria provided, multiple submitters, no conflicts (2 of 4 stars). 2 submissions from 2 submitters: Likely benign (2). Last evaluated 2026-08-20.

Conditions:
TREM2-related disorder. Also called: TREM2-related condition.

Allele frequency attached by ClinVar (database versions not stated): ExAC 0.00002; TOPMed 0.00003.

Submissions (2):

PreventionGenetics, part of Exact Sciences
Classification: Likely benign for TREM2-related condition. Last evaluated: 2026-08-20. Review status: criteria provided, single submitter. Criteria: ACMG Guidelines, 2015. Collection method: clinical testing. Allele origin: germline.
Comment: This variant is classified as likely benign based on ACMG/AMP sequence variant interpretation guidelines (Richards et al. 2015 PMID: 25741868, with internal and published modifications).

Labcorp Genetics (formerly Invitae), Labcorp
Classification: Likely benign. Last evaluated: 2026-01-05. Review status: criteria provided, single submitter. Criteria: Invitae Variant Classification Sherloc (09022015). Collection method: clinical testing. Allele origin: germline.